The following is an entry in ClinVar:

NM_000278.5(PAX2):c.104A>G (p.Asp35Gly)

Gene: PAX2 (paired box 2; plus strand). Cytogenetic location: 10q24.31.
Variant type: single nucleotide variant.
Coding change: c.104A>G on transcript NM_000278.5 (MANE Select); coding-DNA position 104, A replaced by G.
Protein change: p.Asp35Gly; replaces aspartic acid 35 with glycine.
Molecular consequence: missense variant.
Genome position (GRCh38, 1-based): chr10:100,749,806, A>G. VCF-style: chr10-100749806-A-G. GRCh37 (hg19) VCF-style: chr10-102509563-A-G.
Other names: c.197A>G, p.Asp66Gly (NM_001304569.2); c.104A>G, p.Asp35Gly (NM_003987.5, NM_003988.5, NM_003989.5 and 1 more transcripts); short protein forms D35G, D66G.
Identifiers: ClinVar variation 4992119 (VCV004992119.1).
Genomic context (GRCh38, chr10:100,749,806, plus strand): 5'-CAGGGCACGGGGGTGTGAACCAGCTCGGGGGGGTGTTTGTGAACGGCCGGCCCCTACCCG[A>G]CGTGGTGAGGCAGCGCATCGTGGAGCTGGCCCACCAGGGTGTGCGGCCCTGTGACATCTC-3'
Protein context (NP_000269.3, residues 25-45): GVFVNGRPLP[Asp35Gly]VVRQRIVELA

ClinVar aggregate classification (germline): Uncertain significance (1 of 4 stars; one submission).

Conditions:
PAX2-Related Disorder. Also called: PAX2-related disorders. Identifiers: MedGen CN381309.

Submission:

PreventionGenetics, part of Exact Sciences
Classification: Uncertain significance for PAX2-related condition. Last evaluated: 2026-04-30. Review status: criteria provided, single submitter. Criteria: ACMG Guidelines, 2015. Collection method: clinical testing. Allele origin: germline.
Comment: The PAX2 c.104A>G variant is predicted to result in the amino acid substitution p.Asp35Gly. To our knowledge, this variant has not been reported in the literature or in a large population database (gnomAD), indicating this variant is rare. This variant is located within the paired-box domain, which is a critical region of the protein and a mutational hotspot (see for example, Negrisolo and Benetti. 2023. PubMed ID: 36835576). The REVEL (rare exome variant ensemble learner) program predicts this variant is pathogenic at a "strong" level (Ioannidis et al. 2016. PubMed ID: 27666373; Bergquist et al. 2024. PubMed ID: 39345488). Although we suspect that this variant may be pathogenic, at this time, the clinical significance of this variant is uncertain due to the absence of conclusive functional and genetic evidence.